The following is an entry in ClinVar:

ClinVar aggregate classification (germline): Likely benign. Review status: reviewed by expert panel (3 of 4 stars). 5 submissions from 5 submitters: Likely benign (1). 4 of the submissions do not count toward it. Last evaluated 2017-06-29.

Conditions:
Hereditary cancer-predisposing syndrome. Also called: Hereditary neoplastic syndrome; Hereditary Cancer Syndrome; Neoplastic Syndromes, Hereditary; Tumor predisposition. Identifiers: Orphanet 140162, MedGen C0027672, MeSH D009386, MONDO:0015356.
Breast-ovarian cancer, familial, susceptibility to, 2 (BROVCA2). Also called: BRCA2 Hereditary Breast and Ovarian Cancer. Identifiers: Orphanet 145, MedGen C2675520, MONDO:0012933, OMIM 612555. Disease mechanism: loss of function.
Hereditary breast ovarian cancer syndrome. Also called: Hereditary breast and ovarian cancer syndrome; BRCA1- and BRCA2-Associated Hereditary Breast and Ovarian Cancer; Hereditary breast and/or ovarian cancer syndrome; Hereditary breast and ovarian cancer; Breast and ovarian cancer; Hereditary breast and ovarian cancer syndrome (HBOC). Identifiers: Orphanet 145, MedGen C0677776, MeSH D061325, MONDO:0003582. Disease mechanism: loss of function.

Allele frequency attached by ClinVar (database versions not stated): gnomAD exomes below 0.00001.
gnomAD v4.1: 4 of 1,614,036 alleles (0.00025%); highest among the groups gnomAD compares: African/African-American, 0.0027%; no homozygotes.

Submissions (5):

Evidence-based Network for the Interpretation of Germline Mutant Alleles (ENIGMA)
Classification: Likely benign for Breast-ovarian cancer, familial, susceptibility to, 2. Last evaluated: 2017-06-29. Review status: reviewed by expert panel. Criteria: ENIGMA BRCA1/2 Classification Criteria (2017-06-29). Collection method: curation. Allele origin: germline.
Comment: Synonymous substitution variant, with low bioinformatic likelihood to result in a splicing aberration (Splicing prior probability 0.02).

Labcorp Genetics (formerly Invitae), Labcorp
Classification: Likely benign for Hereditary breast ovarian cancer syndrome. Last evaluated: 2026-01-05. Review status: criteria provided, single submitter. Criteria: Invitae Variant Classification Sherloc (09022015). Collection method: clinical testing. Allele origin: germline. Not counted in ClinVar's aggregate classification.

All of Us Research Program, National Institutes of Health
Classification: Likely benign for Breast-ovarian cancer, familial, susceptibility to, 2. Last evaluated: 2023-04-27. Review status: criteria provided, single submitter. Criteria: ACMG Guidelines, 2015. Collection method: clinical testing. Allele origin: germline. Inheritance: Autosomal dominant inheritance. Observed: 2 variant alleles, 2 heterozygotes. Not counted in ClinVar's aggregate classification.
Comment: This study involves interpretation of variants in research participants for the purpose of population health screening. Participant phenotype was not available at the time of variant classification. Additional details can be found in publication PMID: 35346344, PMCID: PMC8962531

Color Diagnostics, LLC DBA Color Health
Classification: Likely benign for Hereditary cancer-predisposing syndrome. Last evaluated: 2017-10-23. Review status: criteria provided, single submitter. Criteria: ACMG Guidelines, 2015. Collection method: clinical testing. Allele origin: germline. Not counted in ClinVar's aggregate classification.

Ambry Genetics
Classification: Likely benign for Hereditary cancer-predisposing syndrome. Last evaluated: 2016-08-22. Review status: criteria provided, single submitter. Criteria: Ambry Variant Classification Scheme 2023. Collection method: clinical testing. Allele origin: germline. Not counted in ClinVar's aggregate classification.

NM_000059.4(BRCA2):c.10191C>T (p.Ser3397=)

Gene: BRCA2 (BRCA2 DNA repair associated; plus strand). Cytogenetic location: 13q13.1.
Variant type: single nucleotide variant.
Coding change: c.10191C>T on transcript NM_000059.4 (MANE Select); coding-DNA position 10191, C replaced by T.
Protein change: p.Ser3397=; no amino-acid change (serine 3397 retained).
Molecular consequence: synonymous variant.
Genome position (GRCh38, 1-based): chr13:32,398,704, C>T. VCF-style: chr13-32398704-C-T. GRCh37 (hg19) VCF-style: chr13-32972841-C-T.
Identifiers: ClinVar variation 427412 (VCV000427412.19), dbSNP rs1131692134, ClinGen allele CA483440016.